The following is an entry in ClinVar:

ClinVar aggregate classification (germline): Uncertain significance (1 of 4 stars; one submission).

Conditions:
Rhabdoid tumor predisposition syndrome 2 (RTPS2). Identifiers: Orphanet 231108, Orphanet 69077, MedGen C2750074, MONDO:0013224, OMIM 613325.

Submission:

Labcorp Genetics (formerly Invitae), Labcorp
Classification: Uncertain significance for Rhabdoid tumor predisposition syndrome 2. Last evaluated: 2024-03-14. Review status: criteria provided, single submitter. Criteria: Invitae Variant Classification Sherloc (09022015). Collection method: clinical testing. Allele origin: germline.
Comment: This sequence change replaces leucine, which is neutral and non-polar, with arginine, which is basic and polar, at codon 177 of the SMARCA4 protein (p.Leu177Arg). This variant is not present in population databases (gnomAD no frequency). This variant has not been reported in the literature in individuals affected with SMARCA4-related conditions. Advanced modeling of protein sequence and biophysical properties (such as structural, functional, and spatial information, amino acid conservation, physicochemical variation, residue mobility, and thermodynamic stability) performed at Invitae indicates that this missense variant is expected to disrupt SMARCA4 protein function with a positive predictive value of 95%. In summary, the available evidence is currently insufficient to determine the role of this variant in disease. Therefore, it has been classified as a Variant of Uncertain Significance.

NM_003072.5(SMARCA4):c.530T>G (p.Leu177Arg)

Gene: SMARCA4 (SWI/SNF related BAF chromatin remodeling complex subunit ATPase 4; plus strand). Cytogenetic location: 19p13.2.
Variant type: single nucleotide variant.
Coding change: c.530T>G on transcript NM_003072.5 (MANE Select); coding-DNA position 530, T replaced by G.
Protein change: p.Leu177Arg; replaces leucine 177 with arginine.
Molecular consequence: missense variant. On other transcripts: non-coding transcript variant (1).
Genome position (GRCh38, 1-based): chr19:10,986,363, T>G. VCF-style: chr19-10986363-T-G. GRCh37 (hg19) VCF-style: chr19-11097039-T-G.
Other names: c.530T>G, p.Leu177Arg (NM_001128846.2, NM_001128847.4, NM_001128848.2 and 6 more transcripts); short protein forms L177R.
Identifiers: ClinVar variation 3700377 (VCV003700377.2).
Genomic context (GRCh38, chr19:10,986,363, plus strand): 5'-CTGACCCCCAGGCCTTGGGGCAGCAGAACCGGGGCCCAACCCCATTTAACCAGAACCAGC[T>G]GCACCAGCTCAGAGCTCAGATCATGGCCTACAAGATGCTGGCCAGGGGGCAGCCCCTCCC-3'
Protein context (NP_003063.2, residues 167-187): RGPTPFNQNQ[Leu177Arg]HQLRAQIMAY